The following is an entry in ClinVar:

ClinVar aggregate classification (germline): Uncertain significance (1 of 4 stars; one submission).

Conditions:
Alstrom syndrome (ALMS). Identifiers: Orphanet 64, MedGen C0268425, MONDO:0008763, OMIM 203800.

gnomAD v4.1: 1 of 1,614,186 alleles (0.000062%); no homozygotes.

Submission:

Labcorp Genetics (formerly Invitae), Labcorp
Classification: Uncertain significance for Alstrom syndrome. Last evaluated: 2017-10-22. Review status: criteria provided, single submitter. Criteria: Invitae Variant Classification Sherloc (09022015). Collection method: clinical testing. Allele origin: germline.
Comment: This sequence change replaces isoleucine with leucine at codon 3146 of the ALMS1 protein (p.Ile3146Leu). The leucine residue is weakly conserved and there is a small physicochemical difference between isoleucine and leucine. This variant is not present in population databases (ExAC no frequency). This variant has not been reported in the literature in individuals with ALMS1-related disease. Algorithms developed to predict the effect of missense changes on protein structure and function (SIFT, PolyPhen-2, Align-GVGD) all suggest that this variant is likely to be tolerated, but these predictions have not been confirmed by published functional studies and their clinical significance is uncertain. In summary, the available evidence is currently insufficient to determine the role of this variant in disease. Therefore, it has been classified as a Variant of Uncertain Significance.

NM_001378454.1(ALMS1):c.9433A>T (p.Ile3145Leu)

Gene: ALMS1 (ALMS1 centrosome and basal body associated protein; plus strand). Cytogenetic location: 2p13.1.
Variant type: single nucleotide variant.
Coding change: c.9433A>T on transcript NM_001378454.1 (MANE Select); coding-DNA position 9433, A replaced by T.
Protein change: p.Ile3145Leu; replaces isoleucine 3145 with leucine.
Molecular consequence: missense variant.
Genome position (GRCh38, 1-based): chr2:73,491,392, A>T. VCF-style: chr2-73491392-A-T. GRCh37 (hg19) VCF-style: chr2-73718519-A-T.
Other names: c.9436A>T, p.Ile3146Leu (NM_015120.4); short protein forms I3146L, I3145L.
Identifiers: ClinVar variation 529392 (VCV000529392.7), dbSNP rs767987000, ClinGen allele CA347274981.
Genomic context (GRCh38, chr2:73,491,392, plus strand): 5'-TTCCAAGTCGTACAGCCTTCTCTTCCAGACAGTAACACTATTACTCAGGACTTGAAAACC[A>T]TACCTTCTCAGAATAGCCAGATAGTAACCTCCAGGCAAATACAAGTGAACATTTCAGATT-3'
Protein context (NP_001365383.1, residues 3135-3155): SNTITQDLKT[Ile3145Leu]PSQNSQIVTS